The following is an entry in ClinVar:

ClinVar aggregate classification (germline): Uncertain significance. Review status: criteria provided, multiple submitters, no conflicts (2 of 4 stars). 5 submissions from 5 submitters: Uncertain significance (5). Last evaluated 2025-12-16.

Conditions:
Hereditary cancer-predisposing syndrome. Also called: Neoplastic Syndromes, Hereditary; Hereditary neoplastic syndrome; Tumor predisposition; Hereditary Cancer Syndrome. Identifiers: Orphanet 140162, MedGen C0027672, MeSH D009386, MONDO:0015356.
Microcephaly, normal intelligence and immunodeficiency (NBS). Also called: Ataxia telangiectasia variant V1; Nijmegen breakage syndrome; Immunodeficiency, microcephaly with normal intelligence; IMMUNODEFICIENCY, MICROCEPHALY, AND CHROMOSOMAL INSTABILITY; SEEMANOVA SYNDROME II; BERLIN BREAKAGE SYNDROME. Identifiers: Orphanet 647, MedGen C0398791, MONDO:0009623, OMIM 251260.

Allele frequency attached by ClinVar (database versions not stated): gnomAD 0.00001.

Submissions (5):

Women's Health and Genetics/Laboratory Corporation of America, LabCorp
Classification: Uncertain significance. Last evaluated: 2025-12-16. Review status: criteria provided, single submitter. Criteria: LabCorp Variant Classification Summary - May 2015. Collection method: clinical testing. Allele origin: germline.
Comment: Variant summary: NBN c.2134C>T (p.His712Tyr) results in a conservative amino acid change located in the Nibrin, C-terminal (IPR013908) of the encoded protein sequence. Algorithms developed to predict the effect of missense changes on protein structure and function all suggest that this variant is likely to be tolerated. The variant was absent in 251292 control chromosomes. The available data on variant occurrences in the general population are insufficient to allow any conclusion about variant significance. To our knowledge, no occurrence of c.2134C>T in individuals affected with NBN-related conditions and no experimental evidence demonstrating its impact on protein function have been reported. ClinVar contains an entry for this variant (Variation ID: 838780). Based on the evidence outlined above, the variant was classified as uncertain significance.

Labcorp Genetics (formerly Invitae), Labcorp
Classification: Uncertain significance for Microcephaly, normal intelligence and immunodeficiency. Last evaluated: 2023-10-26. Review status: criteria provided, single submitter. Criteria: Invitae Variant Classification Sherloc (09022015). Collection method: clinical testing. Allele origin: germline.
Comment: This sequence change replaces histidine, which is basic and polar, with tyrosine, which is neutral and polar, at codon 712 of the NBN protein (p.His712Tyr). This variant is not present in population databases (gnomAD no frequency). This variant has not been reported in the literature in individuals affected with NBN-related conditions. ClinVar contains an entry for this variant (Variation ID: 838780). An algorithm developed to predict the effect of missense changes on protein structure and function (PolyPhen-2) suggests that this variant is likely to be disruptive. In summary, the available evidence is currently insufficient to determine the role of this variant in disease. Therefore, it has been classified as a Variant of Uncertain Significance.

Genome-Nilou Lab
Classification: Uncertain significance for Microcephaly, normal intelligence and immunodeficiency. Last evaluated: 2021-11-07. Review status: criteria provided, single submitter. Criteria: ACMG Guidelines, 2015. Collection method: clinical testing. Allele origin: germline. Affected: no.

Ambry Genetics
Classification: Uncertain significance for Hereditary cancer-predisposing syndrome. Last evaluated: 2021-07-06. Review status: criteria provided, single submitter. Criteria: Ambry Variant Classification Scheme 2023. Collection method: clinical testing. Allele origin: germline.
Comment: The p.H712Y variant (also known as c.2134C>T), located in coding exon 14 of the NBN gene, results from a C to T substitution at nucleotide position 2134. The histidine at codon 712 is replaced by tyrosine, an amino acid with similar properties. This amino acid position is well conserved in available vertebrate species. In addition, this alteration is predicted to be tolerated by in silico analysis. Since supporting evidence is limited at this time, the clinical significance of this alteration remains unclear.

Quest Diagnostics Nichols Institute San Juan Capistrano
Classification: Uncertain significance. Last evaluated: 2020-09-02. Review status: criteria provided, single submitter. Criteria: Quest Diagnostics criteria. Collection method: clinical testing. Allele origin: unknown.

NM_002485.5(NBN):c.2134C>T (p.His712Tyr)

Gene: NBN (nibrin; minus strand). Cytogenetic location: 8q21.3.
Variant type: single nucleotide variant.
Coding change: c.2134C>T on transcript NM_002485.5 (MANE Select); coding-DNA position 2134, C replaced by T.
Protein change: p.His712Tyr; replaces histidine 712 with tyrosine.
Molecular consequence: missense variant.
Genome position (GRCh38, 1-based): chr8:89,943,303, G>A on the plus strand (C>T on the coding strand, the complement: NBN is on the minus strand). VCF-style: chr8-89943303-G-A. GRCh37 (hg19) VCF-style: chr8-90955531-G-A.
Other names: c.1888C>T, p.His630Tyr (NM_001024688.3); short protein forms H630Y, H712Y.
Identifiers: ClinVar variation 838780 (VCV000838780.15), dbSNP rs781520763, ClinGen allele CA371675518.